The following is an entry in ClinVar:

NM_014927.5(CNKSR2):c.2945C>G (p.Thr982Arg)

Gene: CNKSR2 (connector enhancer of kinase suppressor of Ras 2; plus strand). Cytogenetic location: Xp22.12.
Variant type: single nucleotide variant.
Coding change: c.2945C>G on transcript NM_014927.5 (MANE Select); coding-DNA position 2945, C replaced by G.
Protein change: p.Thr982Arg; replaces threonine 982 with arginine.
Molecular consequence: missense variant.
Genome position (GRCh38, 1-based): chrX:21,652,361, C>G. VCF-style: chrX-21652361-C-G. GRCh37 (hg19) VCF-style: chrX-21670479-C-G.
Other names: c.2855C>G, p.Thr952Arg (NM_001168647.3); c.2798C>G, p.Thr933Arg (NM_001330770.2); c.2708C>G, p.Thr903Arg (NM_001330772.2); short protein forms T982R, T933R, T952R, T903R.
Identifiers: ClinVar variation 421658 (VCV000421658.3), dbSNP rs1064795278, ClinGen allele CA16621302.
Genomic context (GRCh38, chrX:21,652,361, plus strand): 5'-TTCAGGCCAGAGAAGGGGAAGTAGCCATTATCGATAAAGTCCTAGACAATCCAGACTTGA[C>G]ATCTAAAGAATTCCAACAATGGAAGCAGATGTACCTCGACCTTTTCTTGGATATCTGTCA-3'
Protein context (NP_055742.2, residues 972-992): IDKVLDNPDL[Thr982Arg]SKEFQQWKQM

ClinVar aggregate classification (germline): Uncertain significance (1 of 4 stars; one submission).

Submission:

GeneDx
Classification: Uncertain significance. Last evaluated: 2023-04-16. Review status: criteria provided, single submitter. Criteria: GeneDx Variant Classification Process June 2021. Collection method: clinical testing. Allele origin: germline. Affected: yes.
Comment: Not observed at significant frequency in large population cohorts (gnomAD); In silico analysis supports that this missense variant has a deleterious effect on protein structure/function; Has not been previously published as pathogenic or benign to our knowledge